The following is an entry in ClinVar:

NM_017777.4(MKS1):c.1261C>G (p.Pro421Ala)

Gene: MKS1 (MKS transition zone complex subunit 1; minus strand). Cytogenetic location: 17q22.
Variant type: single nucleotide variant.
Coding change: c.1261C>G on transcript NM_017777.4 (MANE Select); coding-DNA position 1261, C replaced by G.
Protein change: p.Pro421Ala; replaces proline 421 with alanine.
Molecular consequence: missense variant.
Genome position (GRCh38, 1-based): chr17:58,207,906, G>C on the plus strand (C>G on the coding strand, the complement: MKS1 is on the minus strand). VCF-style: chr17-58207906-G-C. GRCh37 (hg19) VCF-style: chr17-56285267-G-C.
Other names: c.652C>G, p.Pro218Ala (NM_001321268.2); c.1261C>G, p.Pro421Ala (NM_001321269.2, NM_001330397.2, NM_001411113.1); short protein forms P218A, P421A.
Identifiers: ClinVar variation 1984584 (VCV001984584.4), dbSNP rs863225210, ClinGen allele CA400325398.

ClinVar aggregate classification (germline): Uncertain significance (1 of 4 stars; one submission).

Conditions:
Joubert syndrome. Also called: CEREBELLOPARENCHYMAL DISORDER IV; JOUBERT-BOLTSHAUSER SYNDROME; Familial aplasia of the vermis. Identifiers: Orphanet 475, MedGen C5979921, MONDO:0018772.
Meckel-Gruber syndrome. Also called: DYSENCEPHALIA SPLANCHNOCYSTICA; GRUBER SYNDROME; Dysencephalia splachnocystica. Identifiers: Orphanet 564, MedGen C0265215, MONDO:0018921.

Allele frequency attached by ClinVar (database versions not stated): gnomAD 0.00001; gnomAD exomes 0.00001.
gnomAD v4.1: 9 of 1,613,816 alleles (0.00056%); highest among the groups gnomAD compares: Non-Finnish European, 0.00076%; no homozygotes.

Submission:

Labcorp Genetics (formerly Invitae), Labcorp
Classification: Uncertain significance for Joubert syndrome; Meckel-Gruber syndrome. Last evaluated: 2022-03-12. Review status: criteria provided, single submitter. Criteria: Invitae Variant Classification Sherloc (09022015). Collection method: clinical testing. Allele origin: germline.
Comment: This sequence change replaces proline, which is neutral and non-polar, with alanine, which is neutral and non-polar, at codon 421 of the MKS1 protein (p.Pro421Ala). This variant is not present in population databases (gnomAD no frequency). This variant has not been reported in the literature in individuals affected with MKS1-related conditions. Advanced modeling of protein sequence and biophysical properties (such as structural, functional, and spatial information, amino acid conservation, physicochemical variation, residue mobility, and thermodynamic stability) performed at Invitae indicates that this missense variant is expected to disrupt MKS1 protein function. In summary, the available evidence is currently insufficient to determine the role of this variant in disease. Therefore, it has been classified as a Variant of Uncertain Significance.